The following is an entry in ClinVar:

ClinVar aggregate classification (germline): Benign/Likely benign. Review status: criteria provided, multiple submitters, no conflicts (2 of 4 stars). 8 submissions from 8 submitters: Benign (7); Likely benign (1). Last evaluated 2026-07-01.

Conditions:
Hypotonia, infantile, with psychomotor retardation and characteristic facies 1 (INNFD). Identifiers: Orphanet 371364, Orphanet 700336, MedGen C3809454, MONDO:0024567, OMIM 615419.
Congenital contractures of the limbs and face, hypotonia, and developmental delay (CLIFAHDD). Identifiers: Orphanet 562528, MedGen C4225398, MONDO:0014556, OMIM 616266.

Allele frequency attached by ClinVar (database versions not stated): 1000 Genomes Project 30x 0.00390; 1000 Genomes Project 0.00399; ExAC 0.00864; gnomAD exomes 0.00870 and 0.01223; gnomAD 0.00944 and 0.00972; TOPMed 0.00960; ESP Exome Variant Server 0.01046.
gnomAD v4.1: 19,243 of 1,611,668 alleles (1.2%); highest among the groups gnomAD compares: Non-Finnish European, 1.4%; 129 homozygotes.

Submissions (8):

CeGaT Center for Human Genetics Tuebingen
Classification: Benign. Last evaluated: 2026-07-01. Review status: criteria provided, single submitter. Criteria: CeGaT Center For Human Genetics Tuebingen Variant Classification Criteria Version 2. Collection method: clinical testing. Allele origin: germline. Affected: yes. Observed: 22 variant alleles.
Comment: NALCN: BP4, BS1, BS2

Labcorp Genetics (formerly Invitae), Labcorp
Classification: Benign. Last evaluated: 2026-01-26. Review status: criteria provided, single submitter. Criteria: Invitae Variant Classification Sherloc (09022015). Collection method: clinical testing. Allele origin: germline.

ARUP Laboratories, Molecular Genetics and Genomics, ARUP Laboratories
Classification: Benign. Last evaluated: 2023-09-06. Review status: criteria provided, single submitter. Criteria: ARUP Molecular Germline Variant Investigation Process 2024. Collection method: clinical testing. Allele origin: germline.

Mayo Clinic Laboratories, Mayo Clinic
Classification: Benign. Last evaluated: 2023-06-15. Review status: criteria provided, single submitter. Criteria: ACMG Guidelines, 2015. Collection method: clinical testing. Allele origin: germline. Observed: 6 variant alleles.
Comment: BS1, BS2, BP4, BP7

GeneDx
Classification: Benign. Last evaluated: 2021-08-06. Review status: criteria provided, single submitter. Criteria: GeneDx Variant Classification Process June 2021. Collection method: clinical testing. Allele origin: germline. Affected: yes.

Breakthrough Genomics
Classification: Benign. Review status: criteria provided, single submitter. Criteria: ACMG Guidelines, 2015. Collection method: not provided. Allele origin: germline. Inheritance: Autosomal recessive inheritance. Affected: yes.

Center for Genomics, Ann and Robert H. Lurie Children's Hospital of Chicago
Classification: Likely benign for Congenital contractures of the limbs and face, hypotonia, and developmental delay; Hypotonia, infantile, with psychomotor retardation and characteristic facies 1. Review status: criteria provided, single submitter. Criteria: ACMG Guidelines, 2015. Collection method: clinical testing. Allele origin: germline.
Comment: This variant has not been reported in the literature but is present in the Genome Aggregation Database (Highest reported MAF 1% (160/15278) including 2 homozygotes. This variant is present in ClinVar, with several labs classifying this variant as Benign (Variation ID:262253). Evolutionary conservation and computational predictive tools for this variant are limited or unavailable. This variant is an intronic variant with no predicted change in the amino acid sequence; computational prediction tools do not suggest that it alters splicing. However, further studies are needed to understand its impact. In summary, data on this variant suggests that this variant does not cause disease but requires further evidence. Therefore, this variant is classified as likely benign.

PreventionGenetics, part of Exact Sciences
Classification: Benign. Review status: criteria provided, single submitter. Criteria: ACMG Guidelines, 2015. Collection method: clinical testing. Allele origin: germline.

NM_052867.4(NALCN):c.2192+5C>T

Gene: NALCN (sodium leak channel, non-selective; minus strand). Cytogenetic location: 13q33.1.
Variant type: single nucleotide variant.
Coding change: c.2192+5C>T on transcript NM_052867.4 (MANE Select); 5 bases into the intron after coding-DNA position 2192, C replaced by T.
Molecular consequence: intron variant.
Genome position (GRCh38, 1-based): chr13:101,124,603, G>A on the plus strand (C>T on the coding strand, the complement: NALCN is on the minus strand). VCF-style: chr13-101124603-G-A. GRCh37 (hg19) VCF-style: chr13-101776954-G-A.
Other names: c.2105+5C>T (NM_001350751.2, NM_001350750.2); c.2192+5C>T (NM_001350749.2, NM_001350748.2).
Identifiers: ClinVar variation 262253 (VCV000262253.44), dbSNP rs41281140, ClinGen allele CA7035897.